The following is an entry in ClinVar:

NM_005045.4(RELN):c.-24GGC[9] (p.Met1_Glu2insGly)

Gene: RELN (reelin; minus strand). Cytogenetic location: 7q22.1.
Variant type: Microsatellite.
Coding change: c.-24GGC[9] on transcript NM_005045.4 (MANE Select); nine copies in a row of the 3-base unit GGC starting at c.-24; the reference has eight copies in a row; one copy, 3 bases duplicated.
Protein change: p.Met1_Glu2insGly.
Molecular consequence: inframe insertion.
Genome position (GRCh38, 1-based): chr7:103,989,357-103,989,359, GCC duplicated on the plus strand (GGC on the coding strand, the reverse complement: RELN is on the minus strand); duplicating any 3 consecutive bases within chr7:103,989,357-103,989,382 gives the same sequence; the position shown is the placement nearest the transcript's 3' end. VCF-style (leftmost placement, unchanged base first): chr7-103989356-T-TGCC. GRCh37 (hg19) VCF-style: chr7-103629803-T-TGCC.
Other names: c.-24GGC[9], p.Met1_Glu2insGly (NM_173054.3).
Identifiers: ClinVar variation 358423 (VCV000358423.33), dbSNP rs55656324, ClinGen allele CA4422748.

ClinVar aggregate classification (germline): Benign/Likely benign. Review status: criteria provided, multiple submitters, no conflicts (2 of 4 stars). 5 submissions from 5 submitters: Benign (2); Likely benign (2). 1 of the submissions does not count toward it. Last evaluated 2024-11-27.

Conditions:
RELN-related disorder. Also called: RELN-related condition.

Submissions (5):

Blueprint Genetics
Classification: Likely benign. Last evaluated: 2024-11-27. Review status: criteria provided, single submitter. Criteria: ACMG Guidelines, 2015. Collection method: clinical testing. Allele origin: germline.

CeGaT Center for Human Genetics Tuebingen
Classification: Benign. Last evaluated: 2024-06-01. Review status: criteria provided, single submitter. Criteria: CeGaT Center For Human Genetics Tuebingen Variant Classification Criteria Version 2. Collection method: clinical testing. Allele origin: germline. Affected: yes. Observed: 3 variant alleles.
Comment: RELN: BP4, BS1, BS2

GeneDx
Classification: Benign. Last evaluated: 2021-04-30. Review status: criteria provided, single submitter. Criteria: GeneDx Variant Classification Process June 2021. Collection method: clinical testing. Allele origin: germline. Affected: yes.

Athena Diagnostics
Classification: Likely benign. Last evaluated: 2017-08-07. Review status: criteria provided, single submitter. Criteria: Athena Diagnostics Criteria. Collection method: clinical testing. Allele origin: germline.

PreventionGenetics, part of Exact Sciences
Classification: Benign for RELN-related condition. Last evaluated: 2019-04-04. Review status: no assertion criteria provided. Collection method: clinical testing. Allele origin: germline. Not counted in ClinVar's aggregate classification.
Comment: This variant is classified as benign based on ACMG/AMP sequence variant interpretation guidelines (Richards et al. 2015 PMID: 25741868, with internal and published modifications).